The following is an entry in ClinVar:

ClinVar aggregate classification (germline): Uncertain significance (1 of 4 stars; one submission).

Conditions:
Leukocyte adhesion deficiency 1 (LAD1). Also called: LEUKOCYTE ADHESION DEFICIENCY, TYPE I; LAD 1; Lymphocyte function-associated antigen 1 immunodeficiency; LFA 1 immunodeficiency. Identifiers: Orphanet 2968, Orphanet 99842, MedGen C0398738, MONDO:0007293, OMIM 116920.

Submission:

Laboratory of Immunogenetics LR23ES06, Faculty of Medicine of Sousse, Tunisia
Classification: Uncertain significance for Leukocyte adhesion deficiency 1. Last evaluated: 2025-12-03. Review status: criteria provided, single submitter. Criteria: ACMG Guidelines, 2015. Collection method: research. Allele origin: germline. Inheritance: Autosomal recessive inheritance. Affected: yes. Observed: 1 variant allele, 1 compound heterozygote.
Comment: The NM_000211.5(ITGB2):c.700G>A (p.Glu234Lys) variant is a missense change affecting a highly conserved glutamic acid residue within the I-like domain of the β2 integrin (CD18), which plays a critical role in leukocyte adhesion and immune response. This variant is absent from population databases (gnomAD v2.1.1) (PM2). In silico prediction tools show discordant results, with several tools predicting a deleterious effect (MutationTaster, PROVEAN, FATHMM, VEST4, M-CAP), while others suggest a tolerated impact (SIFT score 0.076, CADD score 4.53), providing limited supporting evidence (PP3_supporting). This variant has not been previously reported in association with leukocyte adhesion deficiency or other ITGB2-related disorders. Based on the currently available evidence and according to ACMG/AMP guidelines (PMID:25741868), this variant is classified as a variant of uncertain significance (VUS), supported by criteria PM2, PM3, and PP3_supporting

NM_000211.5(ITGB2):c.700G>A (p.Glu234Lys)

Gene: ITGB2 (integrin subunit beta 2; minus strand). Cytogenetic location: 21q22.3.
Variant type: single nucleotide variant.
Coding change: c.700G>A on transcript NM_000211.5 (MANE Select); coding-DNA position 700, G replaced by A.
Protein change: p.Glu234Lys; replaces glutamic acid 234 with lysine.
Molecular consequence: missense variant.
Genome position (GRCh38, 1-based): chr21:44,901,533, C>T on the plus strand (G>A on the coding strand, the complement: ITGB2 is on the minus strand). VCF-style: chr21-44901533-C-T. GRCh37 (hg19) VCF-style: chr21-46321448-C-T.
Other names: c.700G>A, p.Glu234Lys (NM_001127491.3); c.493G>A, p.Glu165Lys (NM_001303238.2); short protein forms E165K, E234K.
Identifiers: ClinVar variation 4819966 (VCV004819966.1).